The following is an entry in ClinVar:

NM_014585.6(SLC40A1):c.239G>A (p.Gly80Asp)

Gene: SLC40A1 (solute carrier family 40 member 1; minus strand). Cytogenetic location: 2q32.2.
Variant type: single nucleotide variant.
Coding change: c.239G>A on transcript NM_014585.6 (MANE Select); coding-DNA position 239, G replaced by A.
Protein change: p.Gly80Asp; replaces glycine 80 with aspartic acid.
Molecular consequence: missense variant.
Genome position (GRCh38, 1-based): chr2:189,575,193, C>T on the plus strand (G>A on the coding strand, the complement: SLC40A1 is on the minus strand). VCF-style: chr2-189575193-C-T. GRCh37 (hg19) VCF-style: chr2-190439919-C-T.
Other names: short protein forms G80D.
Identifiers: ClinVar variation 5001365 (VCV005001365.1).

ClinVar aggregate classification (germline): Uncertain significance (1 of 4 stars; one submission).

Conditions:
SLC40A1-related disorder. Also called: SLC40A1-related condition.

Submission:

PreventionGenetics, part of Exact Sciences
Classification: Uncertain significance for SLC40A1-related condition. Last evaluated: 2024-10-17. Review status: criteria provided, single submitter. Criteria: ACMG Guidelines, 2015. Collection method: clinical testing. Allele origin: germline.
Comment: The SLC40A1 c.239G>A variant is predicted to result in the amino acid substitution p.Gly80Asp. To our knowledge, this variant has not been reported in the literature or in a large population database (gnomAD), indicating this variant is rare. At this time, the clinical significance of this variant is uncertain due to the absence of conclusive functional and genetic evidence.